The following is an entry in ClinVar:

NM_020381.4(PDSS2):c.1134C>T (p.Ser378=)

Gene: PDSS2 (decaprenyl diphosphate synthase subunit 2; minus strand). Cytogenetic location: 6q21.
Variant type: single nucleotide variant.
Coding change: c.1134C>T on transcript NM_020381.4 (MANE Select); coding-DNA position 1134, C replaced by T.
Protein change: p.Ser378=; no amino-acid change (serine 378 retained).
Molecular consequence: synonymous variant.
Genome position (GRCh38, 1-based): chr6:107,154,685, G>A on the plus strand (C>T on the coding strand, the complement: PDSS2 is on the minus strand). VCF-style: chr6-107154685-G-A. GRCh37 (hg19) VCF-style: chr6-107475889-G-A.
Identifiers: ClinVar variation 515351 (VCV000515351.11), dbSNP rs543231659, ClinGen allele CA3945899.

ClinVar aggregate classification (germline): Benign/Likely benign. Review status: criteria provided, multiple submitters, no conflicts (2 of 4 stars). 3 submissions from 3 submitters: Benign (1); Likely benign (2). Last evaluated 2025-10-17.

Conditions:
Coenzyme Q10 deficiency, primary, 3 (COQ10D3). Identifiers: Orphanet 255249, MedGen C3553358, MONDO:0013838, OMIM 614652.

Allele frequency attached by ClinVar (database versions not stated): gnomAD below 0.00001 and 0.00010; TOPMed 0.00003; gnomAD exomes 0.00029; 1000 Genomes Project 30x 0.00031; 1000 Genomes Project 0.00040; ExAC 0.00043.
gnomAD v4.1: 239 of 1,614,126 alleles (0.015%); highest among the groups gnomAD compares: South Asian, 0.25%; 3 homozygotes.

Submissions (3):

Labcorp Genetics (formerly Invitae), Labcorp
Classification: Benign. Last evaluated: 2025-10-17. Review status: criteria provided, single submitter. Criteria: Invitae Variant Classification Sherloc (09022015). Collection method: clinical testing. Allele origin: germline.

Fulgent Genetics
Classification: Likely benign for Coenzyme Q10 deficiency, primary, 3. Last evaluated: 2021-11-18. Review status: criteria provided, single submitter. Criteria: ACMG Guidelines, 2015. Collection method: clinical testing. Allele origin: unknown.

GeneDx
Classification: Likely benign. Last evaluated: 2018-02-23. Review status: criteria provided, single submitter. Criteria: GeneDx Variant Classification (06012015). Collection method: clinical testing. Allele origin: germline. Affected: yes.
Comment: This variant is considered likely benign or benign based on one or more of the following criteria: it is a conservative change, it occurs at a poorly conserved position in the protein, it is predicted to be benign by multiple in silico algorithms, and/or has population frequency not consistent with disease.